The following is an entry in ClinVar:

ClinVar aggregate classification (germline): Uncertain significance (1 of 4 stars; one submission).

Conditions:
Neuroblastoma, susceptibility to, 3. Also called: ALK-Related Neuroblastic Tumor Susceptibility. Identifiers: Orphanet 635, MedGen C2751681, MONDO:0013083, OMIM 613014.

Submission:

Labcorp Genetics (formerly Invitae), Labcorp
Classification: Uncertain significance for Neuroblastoma, susceptibility to, 3. Last evaluated: 2022-02-21. Review status: criteria provided, single submitter. Criteria: Invitae Variant Classification Sherloc (09022015). Collection method: clinical testing. Allele origin: germline.
Comment: In summary, the available evidence is currently insufficient to determine the role of this variant in disease. Therefore, it has been classified as a Variant of Uncertain Significance. Algorithms developed to predict the effect of missense changes on protein structure and function are either unavailable or do not agree on the potential impact of this missense change (SIFT: "Deleterious"; PolyPhen-2: "Possibly Damaging"; Align-GVGD: "Class C0"). This variant has not been reported in the literature in individuals affected with ALK-related conditions. This variant is not present in population databases (gnomAD no frequency). This sequence change replaces glutamine, which is neutral and polar, with histidine, which is basic and polar, at codon 610 of the ALK protein (p.Gln610His).

NM_004304.5(ALK):c.1830G>C (p.Gln610His)

Gene: ALK (ALK receptor tyrosine kinase; minus strand). Cytogenetic location: 2p23.2.
Variant type: single nucleotide variant.
Coding change: c.1830G>C on transcript NM_004304.5 (MANE Select); coding-DNA position 1830, G replaced by C.
Protein change: p.Gln610His; replaces glutamine 610 with histidine.
Molecular consequence: missense variant.
Genome position (GRCh38, 1-based): chr2:29,275,484, C>G on the plus strand (G>C on the coding strand, the complement: ALK is on the minus strand). VCF-style: chr2-29275484-C-G. GRCh37 (hg19) VCF-style: chr2-29498350-C-G.
Other names: short protein forms Q610H.
Identifiers: ClinVar variation 1943319 (VCV001943319.5), dbSNP rs2148215483, ClinGen allele CA346480030.